The following is an entry in ClinVar:

NM_015346.4(ZFYVE26):c.1563C>A (p.Cys521Ter)

Gene: ZFYVE26 (zinc finger FYVE-type containing 26; minus strand). Cytogenetic location: 14q24.1.
Variant type: single nucleotide variant.
Coding change: c.1563C>A on transcript NM_015346.4 (MANE Select); coding-DNA position 1563, C replaced by A.
Protein change: p.Cys521Ter; replaces cysteine 521 with a stop codon.
Molecular consequence: nonsense.
Genome position (GRCh38, 1-based): chr14:67,802,155, G>T on the plus strand (C>A on the coding strand, the complement: ZFYVE26 is on the minus strand). VCF-style: chr14-67802155-G-T. GRCh37 (hg19) VCF-style: chr14-68268872-G-T.
Other names: short protein forms C521*.
Identifiers: ClinVar variation 4729554 (VCV004729554.1).

ClinVar aggregate classification (germline): Pathogenic (1 of 4 stars; one submission).

Conditions:
Spastic paraplegia. Identifiers: MedGen C0037772, HP:0001258.

gnomAD v4.1: 1 of 1,614,114 alleles (0.000062%); highest among the groups gnomAD compares: Non-Finnish European, 0.000085%; no homozygotes.

Submission:

Labcorp Genetics (formerly Invitae), Labcorp
Classification: Pathogenic for Spastic paraplegia. Last evaluated: 2025-10-21. Review status: criteria provided, single submitter. Criteria: Invitae Variant Classification Sherloc (09022015). Collection method: clinical testing. Allele origin: germline.
Comment: This sequence change creates a premature translational stop signal (p.Cys521*) in the ZFYVE26 gene. It is expected to result in an absent or disrupted protein product. Loss-of-function variants in ZFYVE26 are known to be pathogenic (PMID: 18394578, 19805727). This variant is not present in population databases (gnomAD no frequency). This variant has not been reported in the literature in individuals affected with ZFYVE26-related conditions. For these reasons, this variant has been classified as Pathogenic.

Literature cited by the submitters: PubMed 18394578; PubMed 19805727.